The following is an entry in ClinVar:

NM_000292.3(PHKA2):c.339C>T (p.His113=)

Gene: PHKA2 (phosphorylase kinase regulatory subunit alpha 2; minus strand). Cytogenetic location: Xp22.13.
Variant type: single nucleotide variant.
Coding change: c.339C>T on transcript NM_000292.3 (MANE Select); coding-DNA position 339, C replaced by T.
Protein change: p.His113=; no amino-acid change (histidine 113 retained).
Molecular consequence: synonymous variant.
Genome position (GRCh38, 1-based): chrX:18,951,219, G>A on the plus strand (C>T on the coding strand, the complement: PHKA2 is on the minus strand). VCF-style: chrX-18951219-G-A. GRCh37 (hg19) VCF-style: chrX-18969337-G-A.
Identifiers: ClinVar variation 515224 (VCV000515224.7), dbSNP rs142799459, ClinGen allele CA10362128.

ClinVar aggregate classification (germline): Likely benign. Review status: criteria provided, multiple submitters, no conflicts (2 of 4 stars). 3 submissions from 3 submitters: Likely benign (3). Last evaluated 2026-09-01.

Conditions:
Glycogen storage disease IXa1. Also called: GLYCOGEN STORAGE DISEASE VIII; GSD VIII; LIVER GLYCOGENOSIS, X-LINKED, TYPE I; Glycogen storage disease 8. Identifiers: Orphanet 264580, MedGen C3694531, MONDO:0010598, OMIM 306000.

Allele frequency attached by ClinVar (database versions not stated): gnomAD 0.00021 and 0.00022; TOPMed 0.00032; 1000 Genomes Project 30x 0.00042; 1000 Genomes Project 0.00053; gnomAD exomes 0.00004 and 0.00007; ESP Exome Variant Server 0.00009; ExAC 0.00011.
gnomAD v4.1: 67 of 1,210,028 alleles (0.0055%); highest among the groups gnomAD compares: African/African-American, 0.11%; no homozygotes.

Submissions (3):

CeGaT Center for Human Genetics Tuebingen
Classification: Likely benign. Last evaluated: 2026-09-01. Review status: criteria provided, single submitter. Criteria: CeGaT Center For Human Genetics Tuebingen Variant Classification Criteria Version 2. Collection method: clinical testing. Allele origin: germline. Affected: yes. Observed: 1 variant allele.
Comment: PHKA2: BP4, BP7, BS2

Labcorp Genetics (formerly Invitae), Labcorp
Classification: Likely benign for Glycogen storage disease IXa1. Last evaluated: 2025-11-24. Review status: criteria provided, single submitter. Criteria: Invitae Variant Classification Sherloc (09022015). Collection method: clinical testing. Allele origin: germline.

GeneDx
Classification: Likely benign. Last evaluated: 2018-02-16. Review status: criteria provided, single submitter. Criteria: GeneDx Variant Classification (06012015). Collection method: clinical testing. Allele origin: germline. Affected: yes.
Comment: This variant is considered likely benign or benign based on one or more of the following criteria: it is a conservative change, it occurs at a poorly conserved position in the protein, it is predicted to be benign by multiple in silico algorithms, and/or has population frequency not consistent with disease.